The following is an entry in ClinVar:

NM_001134407.3(GRIN2A):c.1222A>G (p.Ile408Val)

Gene: GRIN2A (glutamate ionotropic receptor NMDA type subunit 2A; minus strand). Cytogenetic location: 16p13.2.
Variant type: single nucleotide variant.
Coding change: c.1222A>G on transcript NM_001134407.3 (MANE Select); coding-DNA position 1222, A replaced by G.
Protein change: p.Ile408Val; replaces isoleucine 408 with valine.
Molecular consequence: missense variant.
Genome position (GRCh38, 1-based): chr16:9,849,862, T>C on the plus strand (A>G on the coding strand, the complement: GRIN2A is on the minus strand). VCF-style: chr16-9849862-T-C. GRCh37 (hg19) VCF-style: chr16-9943719-T-C.
Other names: c.1222A>G, p.Ile408Val (NM_000833.5, NM_001134408.2); short protein forms I408V.
Identifiers: ClinVar variation 3359474 (VCV003359474.1).
Genomic context (GRCh38, chr16:9,849,862, plus strand): 5'-TCTCGGTCAGGGGGTCTATGTCTTCCACGATGACGAATGGGGCCTCCTCCAGGGTGACGA[T>C]GCTGAGATGGTTGTCATCCGGCTCACAGTCGGAGAAGGACTTGTACCTGGGCCACACGGC-3'
Protein context (NP_001127879.1, residues 398-418): DCEPDDNHLS[Ile408Val]VTLEEAPFVI

ClinVar aggregate classification (germline): Uncertain significance (1 of 4 stars; one submission).

Submission:

GeneDx
Classification: Uncertain significance. Last evaluated: 2023-06-05. Review status: criteria provided, single submitter. Criteria: GeneDx Variant Classification Process June 2021. Collection method: clinical testing. Allele origin: germline. Affected: yes.
Comment: Not observed at significant frequency in large population cohorts (gnomAD); In silico analysis supports that this missense variant does not alter protein structure/function; Has not been previously published as pathogenic or benign to our knowledge; This variant is associated with the following publications: (PMID: 27839871)